The following is an entry in ClinVar:

ClinVar aggregate classification (germline): Uncertain significance (1 of 4 stars; one submission).

Submission:

CeGaT Center for Human Genetics Tuebingen
Classification: Uncertain significance. Last evaluated: 2022-12-01. Review status: criteria provided, single submitter. Criteria: CeGaT Center For Human Genetics Tuebingen Variant Classification Criteria Version 2. Collection method: clinical testing. Allele origin: germline. Affected: yes. Observed: 1 variant allele.
Comment: CREBBP: PM2, PP2

NM_004380.3(CREBBP):c.3349C>T (p.Pro1117Ser)

Gene: CREBBP (CREB binding lysine acetyltransferase; minus strand). Cytogenetic location: 16p13.3.
Variant type: single nucleotide variant.
Coding change: c.3349C>T on transcript NM_004380.3 (MANE Select); coding-DNA position 3349, C replaced by T.
Protein change: p.Pro1117Ser; replaces proline 1117 with serine.
Molecular consequence: missense variant.
Genome position (GRCh38, 1-based): chr16:3,758,874, G>A on the plus strand (C>T on the coding strand, the complement: CREBBP is on the minus strand). VCF-style: chr16-3758874-G-A. GRCh37 (hg19) VCF-style: chr16-3808875-G-A.
Other names: c.3235C>T, p.Pro1079Ser (NM_001079846.1); short protein forms P1079S, P1117S.
Identifiers: ClinVar variation 1879327 (VCV001879327.29), dbSNP rs2151385558, ClinGen allele CA394569460.